The following is an entry in ClinVar:

NM_014908.4(DOLK):c.277C>G (p.Leu93Val)

Gene: DOLK (dolichol kinase; minus strand). Cytogenetic location: 9q34.11.
Variant type: single nucleotide variant.
Coding change: c.277C>G on transcript NM_014908.4 (MANE Select); coding-DNA position 277, C replaced by G.
Protein change: p.Leu93Val; replaces leucine 93 with valine.
Molecular consequence: missense variant.
Genome position (GRCh38, 1-based): chr9:128,947,027, G>C on the plus strand (C>G on the coding strand, the complement: DOLK is on the minus strand). VCF-style: chr9-128947027-G-C. GRCh37 (hg19) VCF-style: chr9-131709306-G-C.
Other names: short protein forms L93V.
Identifiers: ClinVar variation 1795897 (VCV001795897.5), dbSNP rs969903496, ClinGen allele CA200445388.

ClinVar aggregate classification (germline): Uncertain significance. Review status: criteria provided, multiple submitters, no conflicts (2 of 4 stars). 3 submissions from 3 submitters: Uncertain significance (3). Last evaluated 2024-05-15.

Conditions:
Cardiovascular phenotype. Identifiers: MedGen CN230736.
DK1-congenital disorder of glycosylation. Also called: DK1 DEFICIENCY; DOLICHOL KINASE DEFICIENCY; CONGENITAL DISORDER OF GLYCOSYLATION, TYPE Im; CDG Im; DOLK-congenital disorder of glycosylation; Carbohydrate deficient glycoprotein syndrome type 1m. Identifiers: Orphanet 91131, MedGen C1835849, MONDO:0012556, OMIM 610768.

Allele frequency attached by ClinVar (database versions not stated): gnomAD exomes below 0.00001.

Submissions (3):

GeneDx
Classification: Uncertain significance. Last evaluated: 2024-05-15. Review status: criteria provided, single submitter. Criteria: GeneDx Variant Classification Process June 2021. Collection method: clinical testing. Allele origin: germline. Affected: yes.
Comment: Not observed at significant frequency in large population cohorts (gnomAD); In silico analysis indicates that this missense variant does not alter protein structure/function; Has not been previously published as pathogenic or benign to our knowledge

Labcorp Genetics (formerly Invitae), Labcorp
Classification: Uncertain significance for DK1-congenital disorder of glycosylation. Last evaluated: 2022-07-22. Review status: criteria provided, single submitter. Criteria: Invitae Variant Classification Sherloc (09022015). Collection method: clinical testing. Allele origin: germline.
Comment: This sequence change replaces leucine, which is neutral and non-polar, with valine, which is neutral and non-polar, at codon 93 of the DOLK protein (p.Leu93Val). This variant is not present in population databases (gnomAD no frequency). This variant has not been reported in the literature in individuals affected with DOLK-related conditions. Algorithms developed to predict the effect of missense changes on protein structure and function output the following: SIFT: "Tolerated"; PolyPhen-2: "Benign"; Align-GVGD: "Class C0". The valine amino acid residue is found in multiple mammalian species, which suggests that this missense change does not adversely affect protein function. In summary, the available evidence is currently insufficient to determine the role of this variant in disease. Therefore, it has been classified as a Variant of Uncertain Significance.

Ambry Genetics
Classification: Uncertain significance for Cardiovascular phenotype. Last evaluated: 2021-09-21. Review status: criteria provided, single submitter. Criteria: Ambry Variant Classification Scheme 2023. Collection method: clinical testing. Allele origin: germline.
Comment: The p.L93V variant (also known as c.277C>G), located in coding exon 1 of the DOLK gene, results from a C to G substitution at nucleotide position 277. The leucine at codon 93 is replaced by valine, an amino acid with highly similar properties. This amino acid position is conserved. In addition, this alteration is predicted to be tolerated by in silico analysis. Since supporting evidence is limited at this time, the clinical significance of this alteration remains unclear.